The following is an entry in ClinVar:

NM_001348716.2(KDM6B):c.1707G>A (p.Val569=)

Gene: KDM6B (lysine demethylase 6B; plus strand). Cytogenetic location: 17p13.1.
Variant type: single nucleotide variant.
Coding change: c.1707G>A on transcript NM_001348716.2 (MANE Select); coding-DNA position 1707, G replaced by A.
Protein change: p.Val569=; no amino-acid change (valine 569 retained).
Molecular consequence: synonymous variant.
Genome position (GRCh38, 1-based): chr17:7,847,995, G>A. VCF-style: chr17-7847995-G-A. GRCh37 (hg19) VCF-style: chr17-7751313-G-A.
Other names: c.1707G>A, p.Val569= (NM_001080424.2).
Identifiers: ClinVar variation 3361617 (VCV003361617.1).

ClinVar aggregate classification (germline): Uncertain significance (1 of 4 stars; one submission).

Submission:

GeneDx
Classification: Uncertain significance. Last evaluated: 2023-07-31. Review status: criteria provided, single submitter. Criteria: GeneDx Variant Classification Process June 2021. Collection method: clinical testing. Allele origin: germline. Affected: yes.
Comment: Not observed at significant frequency in large population cohorts (gnomAD); In silico analysis supports that this variant does not alter splicing; Has not been previously published as pathogenic or benign to our knowledge